The following is an entry in ClinVar:

NM_000136.3(FANCC):c.1524C>T (p.Val508=)

Genes: AOPEP (aminopeptidase O (putative); plus strand), FANCC (FA complementation group C; minus strand). Cytogenetic location: 9q22.32.
Variant type: single nucleotide variant.
Coding change: c.1524C>T on transcript NM_000136.3 (MANE Select); coding-DNA position 1524, C replaced by T.
Protein change: p.Val508=; no amino-acid change (valine 508 retained).
Molecular consequence: synonymous variant.
Genome position (GRCh38, 1-based): chr9:95,107,075, G>A on the plus strand (C>T on the coding strand, the complement: FANCC is on the minus strand). VCF-style: chr9-95107075-G-A. GRCh37 (hg19) VCF-style: chr9-97869357-G-A.
Other names: c.1524C>T, p.Val508= (NM_001243743.2).
Identifiers: ClinVar variation 380204 (VCV000380204.18), dbSNP rs765766432, ClinGen allele CA16605895.

ClinVar aggregate classification (germline): Likely benign. Review status: criteria provided, multiple submitters, no conflicts (2 of 4 stars). 4 submissions from 4 submitters: Likely benign (3). 1 of the submissions does not count toward it. Last evaluated 2023-09-21.

Conditions:
Hereditary cancer-predisposing syndrome. Also called: Tumor predisposition; Hereditary neoplastic syndrome; Neoplastic Syndromes, Hereditary; Hereditary Cancer Syndrome. Identifiers: Orphanet 140162, MedGen C0027672, MeSH D009386, MONDO:0015356.
Fanconi anemia (FA). Also called: Fanconi's anemia. Identifiers: Orphanet 84, MedGen C0015625, MeSH D005199, MONDO:0019391.

Allele frequency attached by ClinVar (database versions not stated): gnomAD exomes 0.00001.
gnomAD v4.1: 4 of 1,614,184 alleles (0.00025%); highest among the groups gnomAD compares: Non-Finnish European, 0.00034%; no homozygotes.

Submissions (4):

Labcorp Genetics (formerly Invitae), Labcorp
Classification: Likely benign for Fanconi anemia. Last evaluated: 2023-09-21. Review status: criteria provided, single submitter. Criteria: Invitae Variant Classification Sherloc (09022015). Collection method: clinical testing. Allele origin: germline.

Ambry Genetics
Classification: Likely benign for Hereditary cancer-predisposing syndrome. Last evaluated: 2022-04-19. Review status: criteria provided, single submitter. Criteria: Ambry Variant Classification Scheme 2023. Collection method: clinical testing. Allele origin: germline.

GeneDx
Classification: Likely benign. Last evaluated: 2015-12-04. Review status: criteria provided, single submitter. Criteria: GeneDx Variant Classification (06012015). Collection method: clinical testing. Allele origin: germline. Affected: yes.
Comment: This variant is considered likely benign or benign based on one or more of the following criteria: it is a conservative change, it occurs at a poorly conserved position in the protein, it is predicted to be benign by multiple in silico algorithms, and/or has population frequency not consistent with disease.

Natera, Inc.
Classification: Likely benign for Fanconi anemia. Last evaluated: 2021-04-21. Review status: no assertion criteria provided. Collection method: clinical testing. Allele origin: germline. Not counted in ClinVar's aggregate classification.